The following is an entry in ClinVar:

NM_001943.5(DSG2):c.2983C>T (p.His995Tyr)

Genes: DSG2 (desmoglein 2; plus strand), DSG2-AS1 (DSG2 antisense RNA 1; minus strand). Cytogenetic location: 18q12.1.
Variant type: single nucleotide variant.
Coding change: c.2983C>T on transcript NM_001943.5 (MANE Select); coding-DNA position 2983, C replaced by T.
Protein change: p.His995Tyr; replaces histidine 995 with tyrosine.
Molecular consequence: missense variant.
Genome position (GRCh38, 1-based): chr18:31,546,369, C>T. VCF-style: chr18-31546369-C-T. GRCh37 (hg19) VCF-style: chr18-29126332-C-T.
Other names: short protein forms H995Y.
Identifiers: ClinVar variation 3273859 (VCV003273859.3).

ClinVar aggregate classification (germline): Uncertain significance. Review status: criteria provided, multiple submitters, no conflicts (2 of 4 stars). 2 submissions from 2 submitters: Uncertain significance (2). Last evaluated 2026-09-11.

Conditions:
Cardiovascular phenotype. Identifiers: MedGen CN230736.

gnomAD v4.1: 3 of 1,614,064 alleles (0.00019%); highest among the groups gnomAD compares: Admixed American, 0.0017%; no homozygotes.

Submissions (2):

Ambry Genetics
Classification: Uncertain significance for Cardiovascular phenotype. Last evaluated: 2026-09-11. Review status: criteria provided, single submitter. Criteria: Ambry Variant Classification Scheme 2023. Collection method: clinical testing. Allele origin: germline.
Comment: The p.H995Y variant (also known as c.2983C>T), located in coding exon 15 of the DSG2 gene, results from a C to T substitution at nucleotide position 2983. The histidine at codon 995 is replaced by tyrosine, an amino acid with similar properties. This amino acid position is conserved. In addition, this alteration is predicted to be tolerated by in silico analysis. Based on the available evidence, the clinical significance of this variant remains unclear.

Women's Health and Genetics/Laboratory Corporation of America, LabCorp
Classification: Uncertain significance. Last evaluated: 2026-05-15. Review status: criteria provided, single submitter. Criteria: LabCorp Variant Classification Summary - May 2015. Collection method: clinical testing. Allele origin: germline.